The following is an entry in ClinVar:

ClinVar aggregate classification (germline): Uncertain significance (1 of 4 stars; one submission).

Conditions:
2-aminoadipic 2-oxoadipic aciduria (AAKAD). Also called: ALPHA-AMINOADIPIC AND ALPHA-KETOADIPIC ACIDURIA; Aminoadipic aciduria. Identifiers: Orphanet 79154, MedGen C1859817, MONDO:0008774, OMIM 204750.

gnomAD v4.1: 6 of 1,608,660 alleles (0.00037%); highest among the groups gnomAD compares: Non-Finnish European, 0.00051%; no homozygotes.

Submission:

Labcorp Genetics (formerly Invitae), Labcorp
Classification: Uncertain significance for 2-aminoadipic 2-oxoadipic aciduria. Last evaluated: 2025-09-03. Review status: criteria provided, single submitter. Criteria: Invitae Variant Classification Sherloc (09022015). Collection method: clinical testing. Allele origin: germline.
Comment: This sequence change replaces alanine, which is neutral and non-polar, with valine, which is neutral and non-polar, at codon 825 of the DHTKD1 protein (p.Ala825Val). This variant is not present in population databases (gnomAD no frequency). This variant has not been reported in the literature in individuals affected with DHTKD1-related conditions. Invitae Evidence Modeling of protein sequence and biophysical properties (such as structural, functional, and spatial information, amino acid conservation, physicochemical variation, residue mobility, and thermodynamic stability) indicates that this missense variant is not expected to disrupt DHTKD1 protein function with a negative predictive value of 80%. In summary, the available evidence is currently insufficient to determine the role of this variant in disease. Therefore, it has been classified as a Variant of Uncertain Significance.

NM_018706.7(DHTKD1):c.2474C>T (p.Ala825Val)

Gene: DHTKD1 (dehydrogenase E1 and transketolase domain containing 1; plus strand). Cytogenetic location: 10p14.
Variant type: single nucleotide variant.
Coding change: c.2474C>T on transcript NM_018706.7 (MANE Select); coding-DNA position 2474, C replaced by T.
Protein change: p.Ala825Val; replaces alanine 825 with valine.
Molecular consequence: missense variant.
Genome position (GRCh38, 1-based): chr10:12,118,820, C>T. VCF-style: chr10-12118820-C-T. GRCh37 (hg19) VCF-style: chr10-12160819-C-T.
Other names: short protein forms A825V.
Identifiers: ClinVar variation 4768219 (VCV004768219.1).